The following is an entry in ClinVar:

ClinVar aggregate classification (germline): Likely benign (1 of 4 stars; one submission).

gnomAD v4.1: 1 of 1,591,524 alleles (0.000063%); highest among the groups gnomAD compares: Non-Finnish European, 0.000086%; no homozygotes.

Submission:

GeneDx
Classification: Likely benign. Last evaluated: 2018-02-28. Review status: criteria provided, single submitter. Criteria: GeneDx Variant Classification (06012015). Collection method: clinical testing. Allele origin: germline. Affected: yes.
Comment: This variant is considered likely benign or benign based on one or more of the following criteria: it is a conservative change, it occurs at a poorly conserved position in the protein, it is predicted to be benign by multiple in silico algorithms, and/or has population frequency not consistent with disease.

NM_001321075.3(DLG4):c.506-12C>G

Gene: DLG4 (discs large MAGUK scaffold protein 4; minus strand). Cytogenetic location: 17p13.1.
Variant type: single nucleotide variant.
Coding change: c.506-12C>G on transcript NM_001321075.3 (MANE Select); 12 bases into the intron before coding-DNA position 506, C replaced by G.
Molecular consequence: intron variant.
Genome position (GRCh38, 1-based): chr17:7,203,341, G>C on the plus strand (C>G on the coding strand, the complement: DLG4 is on the minus strand). VCF-style: chr17-7203341-G-C. GRCh37 (hg19) VCF-style: chr17-7106660-G-C.
Other names: c.635-12C>G (NM_001365.5); c.497-12C>G (NM_001128827.4); c.425-12C>G (NM_001369566.3); c.326-12C>G (NM_001321077.3, NM_001321076.3); c.626-12C>G (NM_001321074.1).
Identifiers: ClinVar variation 515397 (VCV000515397.1), dbSNP rs768190801, ClinGen allele CA658798703.